The following is an entry in ClinVar:

NM_001366385.1(CARD14):c.2570-2A>G

Genes: CARD14 (caspase recruitment domain family member 14; plus strand), SGSH (N-sulfoglucosamine sulfohydrolase; minus strand), LOC126862662 (MED14-independent group 3 enhancer GRCh37_chr17:78178385-78179584; plus strand). Cytogenetic location: 17q25.3.
Variant type: single nucleotide variant.
Coding change: c.2570-2A>G on transcript NM_001366385.1 (MANE Select); the canonical splice acceptor site of the intron before coding-DNA position 2570, A replaced by G.
Molecular consequence: splice acceptor variant.
Genome position (GRCh38, 1-based): chr17:80,205,529, A>G. VCF-style: chr17-80205529-A-G. GRCh37 (hg19) VCF-style: chr17-78179328-A-G.
Other names: c.2570-2A>G (NM_024110.4).
Identifiers: ClinVar variation 3754582 (VCV003754582.2).
Genomic context (GRCh38, chr17:80,205,529, plus strand): 5'-TGGGACTCCCCCAGACCCCCACACAGCTGGTCTATGATGGCCCCGTCCAATGTCACCTGT[A>G]GAGTACTTGAGCCAGGAGGAGTATGAGGCCTGGAGCCAGAGAGGGGACATCATCCAGGAG-3'

ClinVar aggregate classification (germline): Uncertain significance (1 of 4 stars; one submission).

Conditions:
Pityriasis rubra pilaris (PRP). Also called: Pityriasis rubra pilaris--familial type. Identifiers: Orphanet 2897, MedGen C0032027, MONDO:0100017, OMIM 173200, MONDO:0008251.
Psoriasis 2. Identifiers: MedGen C1864497, MONDO:0011269, OMIM 602723.

gnomAD v4.1: 2 of 1,584,792 alleles (0.00013%); highest among the groups gnomAD compares: Non-Finnish European, 0.00017%; no homozygotes.

Submission:

Labcorp Genetics (formerly Invitae), Labcorp
Classification: Uncertain significance for Pityriasis rubra pilaris; Psoriasis 2. Last evaluated: 2024-08-31. Review status: criteria provided, single submitter. Criteria: Invitae Variant Classification Sherloc (09022015). Collection method: clinical testing. Allele origin: germline.
Comment: This sequence change affects an acceptor splice site in intron 18 of the CARD14 gene. It is expected to disrupt RNA splicing. Variants that disrupt the donor or acceptor splice site typically lead to a loss of protein function (PMID: 16199547), however the current clinical and genetic evidence is not sufficient to establish whether loss-of-function variants in CARD14 cause disease. This variant is not present in population databases (gnomAD no frequency). This variant has not been reported in the literature in individuals affected with CARD14-related conditions. Algorithms developed to predict the effect of sequence changes on RNA splicing suggest that this variant may disrupt the consensus splice site. In summary, the available evidence is currently insufficient to determine the role of this variant in disease. Therefore, it has been classified as a Variant of Uncertain Significance.

Literature cited by the submitters: PubMed 16199547.